The following is an entry in ClinVar:

NM_007194.4(CHEK2):c.1491T>C (p.Asp497=)

Gene: CHEK2 (checkpoint kinase 2; minus strand). Cytogenetic location: 22q12.1.
Variant type: single nucleotide variant.
Coding change: c.1491T>C on transcript NM_007194.4 (MANE Select); coding-DNA position 1491, T replaced by C.
Protein change: p.Asp497=; no amino-acid change (aspartic acid 497 retained).
Molecular consequence: synonymous variant.
Genome position (GRCh38, 1-based): chr22:28,689,186, A>G on the plus strand (T>C on the coding strand, the complement: CHEK2 is on the minus strand). VCF-style: chr22-28689186-A-G. GRCh37 (hg19) VCF-style: chr22-29085174-A-G.
Other names: c.1620T>C, p.Asp540= (NM_001005735.3); c.828T>C, p.Asp276= (NM_001257387.3); c.1290T>C, p.Asp430= (NM_001349956.3); c.1404T>C, p.Asp468= (NM_145862.3).
Identifiers: ClinVar variation 232513 (VCV000232513.22), dbSNP rs762041905, ClinGen allele CA10167623.

ClinVar aggregate classification (germline): Benign/Likely benign. Review status: criteria provided, multiple submitters, no conflicts (2 of 4 stars). 7 submissions from 7 submitters: Benign (1); Likely benign (5). 1 of the submissions does not count toward it. Last evaluated 2025-11-25.

Conditions:
Hereditary cancer-predisposing syndrome. Also called: Neoplastic Syndromes, Hereditary; Tumor predisposition; Hereditary Cancer Syndrome; Hereditary neoplastic syndrome. Identifiers: Orphanet 140162, MedGen C0027672, MeSH D009386, MONDO:0015356.
Malignant tumor of breast. Also called: Malignant breast neoplasm; Cancer breast. Identifiers: MedGen C0006142, MONDO:0007254. Disease mechanism: loss of function.
Familial cancer of breast. Also called: BREAST CANCER, FAMILIAL; hereditary breast carcinoma; Hereditary breast cancer. Identifiers: Orphanet 227535, MedGen C0346153, MONDO:0016419, OMIM 114480. Disease mechanism: loss of function.

Allele frequency attached by ClinVar (database versions not stated): ExAC 0.00001; gnomAD 0.00001; gnomAD exomes 0.00001; TOPMed 0.00003.
gnomAD v4.1: 13 of 1,594,054 alleles (0.00082%); highest among the groups gnomAD compares: East Asian, 0.025%; no homozygotes.

Submissions (7):

Labcorp Genetics (formerly Invitae), Labcorp
Classification: Likely benign for Familial cancer of breast. Last evaluated: 2025-11-25. Review status: criteria provided, single submitter. Criteria: Invitae Variant Classification Sherloc (09022015). Collection method: clinical testing. Allele origin: germline.

Myriad Genetics, Inc.
Classification: Benign for Familial cancer of breast. Last evaluated: 2024-10-08. Review status: criteria provided, single submitter. Criteria: Myriad Autosomal Dominant, Autosomal Recessive and X-Linked Classification Criteria (2023). Collection method: clinical testing. Allele origin: unknown.
Comment: This variant is considered benign. This variant is a silent/synonymous amino acid change and it is not expected to impact splicing.

Quest Diagnostics Nichols Institute San Juan Capistrano
Classification: Likely benign. Last evaluated: 2022-12-12. Review status: criteria provided, single submitter. Criteria: Quest Diagnostics criteria. Collection method: clinical testing. Allele origin: unknown.

Color Diagnostics, LLC DBA Color Health
Classification: Likely benign for Hereditary cancer-predisposing syndrome. Last evaluated: 2017-02-15. Review status: criteria provided, single submitter. Criteria: ACMG Guidelines, 2015. Collection method: clinical testing. Allele origin: germline.

GeneDx
Classification: Likely benign. Last evaluated: 2016-09-16. Review status: criteria provided, single submitter. Criteria: GeneDx Variant Classification (06012015). Collection method: clinical testing. Allele origin: germline. Affected: yes.
Comment: This variant is considered likely benign or benign based on one or more of the following criteria: it is a conservative change, it occurs at a poorly conserved position in the protein, it is predicted to be benign by multiple in silico algorithms, and/or has population frequency not consistent with disease.

Ambry Genetics
Classification: Likely benign for Hereditary cancer-predisposing syndrome. Last evaluated: 2015-06-25. Review status: criteria provided, single submitter. Criteria: Ambry Variant Classification Scheme 2023. Collection method: clinical testing. Allele origin: germline.

Department of Pathology and Laboratory Medicine, Sinai Health System
Classification: Uncertain significance for Malignant tumor of breast. Review status: no assertion criteria provided. Collection method: clinical testing. Allele origin: unknown. Affected: yes. Observed: 1 variant allele. Study: The Canadian Open Genetics Repository (COGR). Not counted in ClinVar's aggregate classification.
Comment: The CHEK2 p.Asp497= variant was identified in 1 of 236 proband chromosomes (frequency: 0.004) from Chinese individuals or families with familial breast cancer (Liu_2011_21618645). The variant was also identified in dbSNP (ID: rs762041905) â€šÃ„ÃºWith Likely benign alleleâ€šÃ„Ã¹, ClinVar (classified likely benign by Ambry Genetics, GeneDx, Invitae), Clinvitae (3x), and in control databases in 2 of 229076 chromosomes at a frequency of 0.000009 (Genome Aggregation Database Feb 27, 2017). Breakdown of the observations by population include East Asian in 2 of 16922 chromosomes (freq: 0.0001), while not observed in the African, Other, Latino, European Non-Finnish, Ashkenazi Jewish, European Finnish, and South Asian populations. The variant was not identified in Cosmic, MutDB, and Zhejiang Colon Cancer Database. The p.Asp497= variant is not expected to have clinical significance because it does not result in a change of amino acid and is not located in a known consensus splice site. In addition, in silico or computational prediction software programs (SpliceSiteFinder, MaxEntScan, NNSPLICE, GeneSplicer, HumanSpliceFinder) do not predict a difference in splicing. In summary, based on the above information the clinical significance of this variant cannot be determined with certainty at this time. This variant is classified as a variant of uncertain significance.

Literature cited by the submitters: PubMed 30287823 (cited by Quest Diagnostics Nichols Institute San Juan Capistrano); PubMed 21618645 (cited by Quest Diagnostics Nichols Institute San Juan Capistrano); PubMed 17922014 (cited by Quest Diagnostics Nichols Institute San Juan Capistrano).